The following is an entry in ClinVar:

ClinVar aggregate classification (germline): Pathogenic (1 of 4 stars; one submission).

Submission:

Labcorp Genetics (formerly Invitae), Labcorp
Classification: Pathogenic. Last evaluated: 2024-02-16. Review status: criteria provided, single submitter. Criteria: Invitae Variant Classification Sherloc (09022015). Collection method: clinical testing. Allele origin: germline.
Comment: This sequence change creates a premature translational stop signal (p.Ser8Lysfs*25) in the HMOX1 gene. It is expected to result in an absent or disrupted protein product. Loss-of-function variants in HMOX1 are known to be pathogenic (PMID: 9884342, 21088618). This variant is not present in population databases (gnomAD no frequency). This variant has not been reported in the literature in individuals affected with HMOX1-related conditions. For these reasons, this variant has been classified as Pathogenic.

Literature cited by the submitters: PubMed 9884342; PubMed 21088618.

NM_002133.3(HMOX1):c.22dup (p.Ser8fs)

Gene: HMOX1 (heme oxygenase 1; plus strand). Cytogenetic location: 22q12.3.
Variant type: Duplication.
Coding change: c.22dup on transcript NM_002133.3 (MANE Select); coding-DNA position 22, one base duplicated (A; older notation c.22dupA).
Protein change: p.Ser8fs; shifts the reading frame from serine 8.
Molecular consequence: frameshift variant.
Genome position (GRCh38, 1-based): chr22:35,381,195, A duplicated. VCF-style (leftmost placement, unchanged base first): chr22-35381194-C-CA. GRCh37 (hg19) VCF-style: chr22-35777187-C-CA.
Other names: short protein forms S8fs.
Identifiers: ClinVar variation 3691456 (VCV003691456.2).